The following is an entry in ClinVar:

ClinVar aggregate classification (germline): Uncertain significance (0 of 4 stars; one submission).

Conditions:
NRIP1-related disorder. Also called: NRIP1-related condition.

gnomAD v4.1: 1 of 1,614,086 alleles (0.000062%); highest among the groups gnomAD compares: Non-Finnish European, 0.000085%; no homozygotes.

Submission:

PreventionGenetics, part of Exact Sciences
Classification: Uncertain significance for NRIP1-related condition. Last evaluated: 2024-07-03. Review status: no assertion criteria provided. Collection method: clinical testing. Allele origin: germline.
Comment: The NRIP1 c.1231C>G variant is predicted to result in the amino acid substitution p.Pro411Ala. To our knowledge, this variant has not been reported in the literature or in a large population database, indicating this variant is rare. At this time, the clinical significance of this variant is uncertain due to the absence of conclusive functional and genetic evidence.

NM_003489.4(NRIP1):c.1231C>G (p.Pro411Ala)

Gene: NRIP1 (nuclear receptor interacting protein 1; minus strand). Cytogenetic location: 21q11.2.
Variant type: single nucleotide variant.
Coding change: c.1231C>G on transcript NM_003489.4 (MANE Select); coding-DNA position 1231, C replaced by G.
Protein change: p.Pro411Ala; replaces proline 411 with alanine.
Molecular consequence: missense variant.
Genome position (GRCh38, 1-based): chr21:14,966,962, G>C on the plus strand (C>G on the coding strand, the complement: NRIP1 is on the minus strand). VCF-style: chr21-14966962-G-C. GRCh37 (hg19) VCF-style: chr21-16339283-G-C.
Other names: short protein forms P411A.
Identifiers: ClinVar variation 3346626 (VCV003346626.1).